The following is an entry in ClinVar:

NM_001048174.2(MUTYH):c.1360C>A (p.His454Asn)

Gene: MUTYH (mutY DNA glycosylase; minus strand). Cytogenetic location: 1p34.1.
Variant type: single nucleotide variant.
Coding change: c.1360C>A on transcript NM_001048174.2 (MANE Select); coding-DNA position 1360, C replaced by A.
Protein change: p.His454Asn; replaces histidine 454 with asparagine.
Molecular consequence: missense variant. On other transcripts: non-coding transcript variant (7).
Genome position (GRCh38, 1-based): chr1:45,331,214, G>T on the plus strand (C>A on the coding strand, the complement: MUTYH is on the minus strand). VCF-style: chr1-45331214-G-T. GRCh37 (hg19) VCF-style: chr1-45796886-G-T.
Other names: c.1360C>A, p.His454Asn (NM_001048171.2, NM_001048173.2, NM_001407081.1 and 6 more transcripts); c.1363C>A, p.His455Asn (NM_001048172.2, NM_001407078.1, NM_001407086.1 and 1 more transcripts); c.1444C>A, p.His482Asn (NM_001128425.2); c.1405C>A, p.His469Asn (NM_001293190.2); c.1393C>A, p.His465Asn (NM_001293191.2, NM_001407077.1, NM_001407069.1); c.1084C>A, p.His362Asn (NM_001293192.2, NM_001293196.2, NM_001407091.1); c.1321C>A, p.His441Asn (NM_001407079.1); c.1318C>A, p.His440Asn (NM_001407080.1); and 5 more; short protein forms H339N, H440N, H455N, H426N, H465N, H441N, H468N, H469N.
Identifiers: ClinVar variation 4113255 (VCV004113255.1).

ClinVar aggregate classification (germline): Uncertain significance (1 of 4 stars; one submission).

Conditions:
Hereditary cancer-predisposing syndrome. Also called: Tumor predisposition; Neoplastic Syndromes, Hereditary; Hereditary neoplastic syndrome; Hereditary Cancer Syndrome. Identifiers: Orphanet 140162, MedGen C0027672, MeSH D009386, MONDO:0015356.

Submission:

Ambry Genetics
Classification: Uncertain significance for Hereditary cancer-predisposing syndrome. Last evaluated: 2025-08-27. Review status: criteria provided, single submitter. Criteria: Ambry Variant Classification Scheme 2023. Collection method: clinical testing. Allele origin: germline.
Comment: The p.H482N variant (also known as c.1444C>A), located in coding exon 14 of the MUTYH gene, results from a C to A substitution at nucleotide position 1444. The histidine at codon 482 is replaced by asparagine, an amino acid with similar properties. This amino acid position is conserved. In addition, this alteration is predicted to be tolerated by in silico analysis. Based on the available evidence, the clinical significance of this variant remains unclear.